The following is an entry in ClinVar:

NM_130811.4(SNAP25):c.497A>G (p.Asp166Gly)

Gene: SNAP25 (synaptosome associated protein 25; plus strand). Cytogenetic location: 20p12.2.
Variant type: single nucleotide variant.
Coding change: c.497A>G on transcript NM_130811.4 (MANE Select); coding-DNA position 497, A replaced by G.
Protein change: p.Asp166Gly; replaces aspartic acid 166 with glycine.
Molecular consequence: missense variant.
Genome position (GRCh38, 1-based): chr20:10,299,357, A>G. VCF-style: chr20-10299357-A-G. GRCh37 (hg19) VCF-style: chr20-10280005-A-G.
Other names: c.497A>G, p.Asp166Gly (NM_001322902.2, NM_001322903.2, NM_001322904.2 and 7 more transcripts); short protein forms D166G.
Identifiers: ClinVar variation 1285523 (VCV001285523.2), dbSNP rs2123159261, ClinGen allele CA408266649.
Genomic context (GRCh38, chr20:10,299,357, plus strand): 5'-TGGATGAAAACCTAGAGCAGGTGAGCGGCATCATCGGGAACCTCCGTCACATGGCCCTGG[A>G]TATGGGCAATGAGATCGATACACAGAATCGCCAGATCGACAGGATCATGGAGAAGGTGAG-3'
Protein context (NP_570824.1, residues 156-176): IIGNLRHMAL[Asp166Gly]MGNEIDTQNR

ClinVar aggregate classification (germline): Likely pathogenic (1 of 4 stars; one submission).

Conditions:
Developmental and epileptic encephalopathy. Identifiers: MedGen C5779964, MONDO:0100620.

Submission:

Institute of Human Genetics, University of Leipzig Medical Center
Classification: Likely pathogenic for Early-infantile DEE. Last evaluated: 2020-07-15. Review status: criteria provided, single submitter. Criteria: ACMG Guidelines, 2015. Collection method: clinical testing. Allele origin: de novo. Affected: yes.
Comment: This variant was identified as de novo (maternity and paternity confirmed).

Literature cited by the submitters: PubMed 33299146.